The following is an entry in ClinVar:

ClinVar aggregate classification (germline): Uncertain significance. Review status: criteria provided, multiple submitters, no conflicts (2 of 4 stars). 5 submissions from 5 submitters: Uncertain significance (5). Last evaluated 2024-05-04.

Conditions:
Atrioventricular septal defect 4 (AVSD4). Identifiers: MedGen C3280781, MONDO:0013747, OMIM 614430.
Ventricular septal defect 1 (VSD1). Identifiers: MedGen C3280777, MONDO:0013746, OMIM 614429.
Atrial septal defect 2 (ASD2). Identifiers: Orphanet 1478, MedGen C1842778, MONDO:0011938, OMIM 607941.
Testicular anomalies with or without congenital heart disease (TACHD). Identifiers: Orphanet 251510, MedGen C3809858, MONDO:0014239, OMIM 615542.
Tetralogy of Fallot (TOF). Identifiers: Orphanet 3303, MedGen C0039685, MONDO:0008542, OMIM 187500, HP:0001636.
Cardiovascular phenotype. Identifiers: MedGen CN230736.

Allele frequency attached by ClinVar (database versions not stated): gnomAD 0.00001; TOPMed 0.00003; gnomAD exomes 0.00004 and 0.00016.
gnomAD v4.1: 18 of 1,370,352 alleles (0.0013%); highest among the groups gnomAD compares: Non-Finnish European, 0.0016%; no homozygotes.

Submissions (5):

Labcorp Genetics (formerly Invitae), Labcorp
Classification: Uncertain significance for Atrioventricular septal defect 4. Last evaluated: 2024-05-04. Review status: criteria provided, single submitter. Criteria: Invitae Variant Classification Sherloc (09022015). Collection method: clinical testing. Allele origin: germline.
Comment: This sequence change replaces glycine, which is neutral and non-polar, with valine, which is neutral and non-polar, at codon 88 of the GATA4 protein (p.Gly88Val). This variant is present in population databases (no rsID available, gnomAD 0.04%). This variant has not been reported in the literature in individuals affected with GATA4-related conditions. ClinVar contains an entry for this variant (Variation ID: 472776). Advanced modeling of protein sequence and biophysical properties (such as structural, functional, and spatial information, amino acid conservation, physicochemical variation, residue mobility, and thermodynamic stability) performed at Invitae indicates that this missense variant is not expected to disrupt GATA4 protein function with a negative predictive value of 80%. In summary, the available evidence is currently insufficient to determine the role of this variant in disease. Therefore, it has been classified as a Variant of Uncertain Significance.

Ambry Genetics
Classification: Uncertain significance for Cardiovascular phenotype. Last evaluated: 2024-03-19. Review status: criteria provided, single submitter. Criteria: Ambry Variant Classification Scheme 2023. Collection method: clinical testing. Allele origin: germline.
Comment: The p.G88V variant (also known as c.263G>T), located in coding exon 1 of the GATA4 gene, results from a G to T substitution at nucleotide position 263. The glycine at codon 88 is replaced by valine, an amino acid with dissimilar properties. This amino acid position is conserved. In addition, the in silico prediction for this alteration is inconclusive. Based on the available evidence, the clinical significance of this alteration remains unclear.

Revvity Omics, Revvity
Classification: Uncertain significance. Last evaluated: 2023-12-13. Review status: criteria provided, single submitter. Criteria: ACMG Guidelines, 2015. Collection method: clinical testing. Allele origin: germline.

GeneDx
Classification: Uncertain significance. Last evaluated: 2020-11-11. Review status: criteria provided, single submitter. Criteria: GeneDx Variant Classification Process June 2021. Collection method: clinical testing. Allele origin: germline. Affected: yes.
Comment: Has not been previously published as pathogenic or benign to our knowledge Reported in ClinVar as a variant of uncertain significance (ClinVar Variant ID# 472776; Landrum et al., 2016) Observed in 4/25666 (0.016%) alleles in large population cohorts (Lek et al., 2016) At the protein level, in silico analysis, which includes protein predictors and evolutionary conservation, supports that this variant does not alter protein structure/function At the mRNA level, in silico analysis, which includes splice predictors and evolutionary conservation, suggests this variant may impact gene splicing. In the absence of RNA/functional studies, the actual effect of this sequence change is unknown.

Fulgent Genetics
Classification: Uncertain significance for Tetralogy of Fallot; Atrial septal defect 2; Ventricular septal defect 1; Atrioventricular septal defect 4; Testicular anomalies with or without congenital heart disease. Last evaluated: 2018-10-31. Review status: criteria provided, single submitter. Criteria: ACMG Guidelines, 2015. Collection method: clinical testing. Allele origin: unknown.

NM_001308093.3(GATA4):c.263G>T (p.Gly88Val)

Gene: GATA4 (GATA binding protein 4). Cytogenetic location: 8p23.1.
Variant type: single nucleotide variant.
Coding change: c.263G>T on transcript NM_001308093.3 (MANE Select); coding-DNA position 263, G replaced by T.
Protein change: p.Gly88Val; replaces glycine 88 with valine.
Molecular consequence: missense variant. On other transcripts: intron variant (3).
Genome position (GRCh38, 1-based): chr8:11,708,575, G>T. VCF-style: chr8-11708575-G-T. GRCh37 (hg19) VCF-style: chr8-11566084-G-T.
Other names: c.263G>T, p.Gly88Val (NM_002052.5); c.-6+7797G>T (NM_001308094.2); c.-3+561G>T (NM_001374274.1); c.-3+4271G>T (NM_001374273.1); short protein forms G88V.
Identifiers: ClinVar variation 472776 (VCV000472776.14), dbSNP rs980402710, ClinGen allele CA172074723.